The following is an entry in ClinVar:

NM_014314.4(RIGI):c.1889_1891del (p.Thr630del)

Gene: RIGI (RNA sensor RIG-I; minus strand). Cytogenetic location: 9p21.1.
Variant type: Deletion.
Coding change: c.1889_1891del on transcript NM_014314.4 (MANE Select); coding-DNA positions 1889 to 1891, 3 bases deleted (CAA; older notation c.1889_1891delCAA).
Protein change: p.Thr630del; deletes threonine 630.
Molecular consequence: inframe deletion.
Genome position (GRCh38, 1-based): chr9:32,477,015-32,477,017, TTG deleted on the plus strand (CAA on the coding strand, the reverse complement: RIGI is on the minus strand); deleting any 3 consecutive bases within chr9:32,477,015-32,477,019 gives the same sequence; the c. name uses the placement nearest the transcript's 3' end. VCF-style (leftmost placement, unchanged base first): chr9-32477014-ATTG-A. GRCh37 (hg19) VCF-style: chr9-32477012-ATTG-A.
Other names: c.1874_1876del, p.Thr625del (NM_001385913.1); c.1445_1447del, p.Thr482del (NM_001385914.1); c.1883_1885del, p.Thr628del (NM_001385907.1); c.1889_1891del, p.Thr630del (NM_001385909.1); c.1448_1450del, p.Thr483del (NM_001385910.1); c.1280_1282del, p.Thr427del (NM_001385912.1); short protein forms T427del, T482del, T483del, T625del, T628del, T630del.
Identifiers: ClinVar variation 5037981 (VCV005037981.2).

ClinVar aggregate classification (germline): Uncertain significance (1 of 4 stars; one submission).

Conditions:
Singleton-Merten syndrome 2 (SGMRT2). Identifiers: Orphanet 85191, MedGen C4225380, MONDO:0014575, OMIM 616298.

Submission:

Juno Genomics, Hangzhou Juno Genomics, Inc
Classification: Uncertain significance for Singleton-Merten syndrome 2. Review status: criteria provided, single submitter. Criteria: ACMG Guidelines, 2015. Collection method: clinical testing. Allele origin: germline.
Comment: Absent from controls (or at extremely low frequency if recessive) in Genome Aggregation Database.;Protein length changes due to in-frame deletions/insertions in a non-repeat region or stop-loss variants.